The following is an entry in ClinVar:

ClinVar aggregate classification (germline): Uncertain significance. Review status: criteria provided, multiple submitters, no conflicts (2 of 4 stars). 2 submissions from 2 submitters: Uncertain significance (2). Last evaluated 2025-07-09.

Conditions:
GLI2-related disorder. Also called: GLI2-related disorders; GLI2-related condition.
Postaxial polydactyly-anterior pituitary anomalies-facial dysmorphism syndrome. Also called: Culler-Jones syndrome. Identifiers: Orphanet 420584, MedGen C4014479, MONDO:0014369, OMIM 615849.
Holoprosencephaly 9 (HPE9). Also called: HOLOPROSENCEPHALY WITH MICROPHTHALMIA AND FIRST BRANCHIAL ARCH ANOMALIES; PITUITARY ANOMALIES WITH HOLOPROSENCEPHALY-LIKE FEATURES. Identifiers: Orphanet 2162, MedGen C1835819, MONDO:0012563, OMIM 610829.

Submissions (2):

PreventionGenetics, part of Exact Sciences
Classification: Uncertain significance for GLI2-related condition. Last evaluated: 2025-07-09. Review status: criteria provided, single submitter. Criteria: ACMG Guidelines, 2015. Collection method: clinical testing. Allele origin: germline.
Comment: The GLI2 c.2212A>C variant is predicted to result in the amino acid substitution p.Lys738Gln. To our knowledge, this variant has not been reported in the literature or in a large population database, indicating this variant is rare. At this time, the clinical significance of this variant is uncertain due to the absence of conclusive functional and genetic evidence.

Labcorp Genetics (formerly Invitae), Labcorp
Classification: Uncertain significance for Postaxial polydactyly-anterior pituitary anomalies-facial dysmorphism syndrome; Holoprosencephaly 9. Last evaluated: 2023-09-08. Review status: criteria provided, single submitter. Criteria: Invitae Variant Classification Sherloc (09022015). Collection method: clinical testing. Allele origin: germline.
Comment: This sequence change replaces lysine, which is basic and polar, with glutamine, which is neutral and polar, at codon 738 of the GLI2 protein (p.Lys738Gln). This variant is not present in population databases (gnomAD no frequency). This variant has not been reported in the literature in individuals affected with GLI2-related conditions. Advanced modeling of protein sequence and biophysical properties (such as structural, functional, and spatial information, amino acid conservation, physicochemical variation, residue mobility, and thermodynamic stability) performed at Invitae indicates that this missense variant is expected to disrupt GLI2 protein function. In summary, the available evidence is currently insufficient to determine the role of this variant in disease. Therefore, it has been classified as a Variant of Uncertain Significance.

NM_001374353.1(GLI2):c.2161A>C (p.Lys721Gln)

Gene: GLI2 (GLI family zinc finger 2; plus strand). Cytogenetic location: 2q14.2.
Variant type: single nucleotide variant.
Coding change: c.2161A>C on transcript NM_001374353.1 (MANE Select); coding-DNA position 2161, A replaced by C.
Protein change: p.Lys721Gln; replaces lysine 721 with glutamine.
Molecular consequence: missense variant.
Genome position (GRCh38, 1-based): chr2:120,986,533, A>C. VCF-style: chr2-120986533-A-C. GRCh37 (hg19) VCF-style: chr2-121744109-A-C.
Other names: c.2212A>C, p.Lys738Gln (NM_001371271.1, NM_005270.5); c.1786A>C, p.Lys596Gln (NM_001374354.1); short protein forms K596Q, K721Q, K738Q.
Identifiers: ClinVar variation 2637296 (VCV002637296.5), dbSNP rs2467759005, ClinGen allele CA348164366.